The following is an entry in ClinVar:

ClinVar aggregate classification (germline): Benign. Review status: criteria provided, multiple submitters, no conflicts (2 of 4 stars). 2 submissions from 2 submitters: Benign (2). Last evaluated 2018-01-12.

Conditions:
Weill-Marchesani 4 syndrome, recessive. Also called: Weill-Marchesani syndrome 4. Identifiers: Orphanet 363992, MedGen C2750787, MONDO:0013176, OMIM 613195.

Allele frequency attached by ClinVar (database versions not stated): 1000 Genomes Project 0.01358; 1000 Genomes Project 30x 0.01390; TOPMed 0.03295; gnomAD 0.03651.

Submissions (2):

Illumina Laboratory Services, Illumina
Classification: Benign for Weill-Marchesani 4 syndrome, recessive. Last evaluated: 2018-01-12. Review status: criteria provided, single submitter. Criteria: ICSL Variant Classification Criteria 13 December 2019. Collection method: clinical testing. Allele origin: germline.
Comment: This variant was observed in the ICSL laboratory as part of a predisposition screen in an ostensibly healthy population. It had not been previously curated by ICSL or reported in the Human Gene Mutation Database (HGMD: prior to June 1st, 2018), and was therefore a candidate for classification through an automated scoring system. Utilizing variant allele frequency, disease prevalence and penetrance estimates, and inheritance mode, an automated score was calculated to assess if this variant is too frequent to cause the disease. Based on the score and internal cut-off values, a variant classified as benign is not then subjected to further curation. The score for this variant resulted in a classification of benign for this disease.

Breakthrough Genomics
Classification: Benign. Review status: criteria provided, single submitter. Criteria: ACMG Guidelines, 2015. Collection method: not provided. Allele origin: germline. Inheritance: Autosomal recessive inheritance. Affected: yes.

NM_139057.4(ADAMTS17):c.*2183G>A

Gene: ADAMTS17 (ADAM metallopeptidase with thrombospondin type 1 motif 17; minus strand). Cytogenetic location: 15q26.3.
Variant type: single nucleotide variant.
Coding change: c.*2183G>A on transcript NM_139057.4 (MANE Select); 2183 bases downstream of the stop codon, G replaced by A.
Molecular consequence: 3 prime UTR variant.
Genome position (GRCh38, 1-based): chr15:99,972,219, C>T on the plus strand (G>A on the coding strand, the complement: ADAMTS17 is on the minus strand). VCF-style: chr15-99972219-C-T. GRCh37 (hg19) VCF-style: chr15-100512424-C-T.
Identifiers: ClinVar variation 315158 (VCV000315158.6), dbSNP rs148789222, ClinGen allele CA10642825.